The following is an entry in ClinVar:

NM_000255.4(MMUT):c.1670G>A (p.Arg557Gln)

Gene: MMUT (methylmalonyl-CoA mutase; minus strand). Cytogenetic location: 6p12.3.
Variant type: single nucleotide variant.
Coding change: c.1670G>A on transcript NM_000255.4 (MANE Select); coding-DNA position 1670, G replaced by A.
Protein change: p.Arg557Gln; replaces arginine 557 with glutamine.
Molecular consequence: missense variant.
Genome position (GRCh38, 1-based): chr6:49,444,645, C>T on the plus strand (G>A on the coding strand, the complement: MMUT is on the minus strand). VCF-style: chr6-49444645-C-T. GRCh37 (hg19) VCF-style: chr6-49412358-C-T.
Other names: c.1670G>A (NM_000255.3); short protein forms R557Q.
Identifiers: ClinVar variation 1367048 (VCV001367048.9), dbSNP rs756389945, ClinGen allele CA3846794.

ClinVar aggregate classification (germline): Uncertain significance. Review status: criteria provided, multiple submitters, no conflicts (2 of 4 stars). 4 submissions from 4 submitters: Uncertain significance (4). Last evaluated 2024-01-24.

Conditions:
Methylmalonic aciduria due to methylmalonyl-CoA mutase deficiency (MAMM). Also called: Methylmalonic aciduria, mut type. Identifiers: Orphanet 27, MedGen C1855114, MONDO:0009612, OMIM 251000.

Allele frequency attached by ClinVar (database versions not stated): ExAC 0.00009.
gnomAD v4.1: 381 of 1,612,322 alleles (0.024%); highest among the groups gnomAD compares: East Asian, 0.036%; no homozygotes.

Submissions (4):

GeneDx
Classification: Uncertain significance. Last evaluated: 2024-01-24. Review status: criteria provided, single submitter. Criteria: GeneDx Variant Classification Process June 2021. Collection method: clinical testing. Allele origin: germline. Affected: yes.
Comment: Not observed at significant frequency in large population cohorts (gnomAD); In silico analysis supports that this missense variant has a deleterious effect on protein structure/function; In silico analysis suggests this variant may impact gene splicing. In the absence of RNA/functional studies, the actual effect of this sequence change is unknown.; Has not been previously published as pathogenic or benign to our knowledge

Ambry Genetics
Classification: Uncertain significance. Last evaluated: 2023-07-11. Review status: criteria provided, single submitter. Criteria: Ambry Variant Classification Scheme 2023. Collection method: clinical testing. Allele origin: germline.

Fulgent Genetics
Classification: Uncertain significance for Methylmalonic aciduria due to methylmalonyl-CoA mutase deficiency. Last evaluated: 2022-04-18. Review status: criteria provided, single submitter. Criteria: ACMG Guidelines, 2015. Collection method: clinical testing. Allele origin: unknown.

Labcorp Genetics (formerly Invitae), Labcorp
Classification: Uncertain significance. Last evaluated: 2022-02-24. Review status: criteria provided, single submitter. Criteria: Invitae Variant Classification Sherloc (09022015). Collection method: clinical testing. Allele origin: germline.
Comment: This sequence change replaces arginine, which is basic and polar, with glutamine, which is neutral and polar, at codon 557 of the MUT protein (p.Arg557Gln). This variant is present in population databases (rs756389945, gnomAD 0.02%). This variant has not been reported in the literature in individuals affected with MUT-related conditions. Algorithms developed to predict the effect of missense changes on protein structure and function are either unavailable or do not agree on the potential impact of this missense change (SIFT: "Deleterious"; PolyPhen-2: "Benign"; Align-GVGD: "Class C0"). Algorithms developed to predict the effect of sequence changes on RNA splicing suggest that this variant may create or strengthen a splice site. In summary, the available evidence is currently insufficient to determine the role of this variant in disease. Therefore, it has been classified as a Variant of Uncertain Significance.